The following is an entry in ClinVar:

ClinVar aggregate classification (germline): Conflicting classifications of pathogenicity. Review status: criteria provided, conflicting classifications (1 of 4 stars). 2 submissions from 2 submitters: Uncertain significance (1); Likely benign (1). Last evaluated 2024-02-26.

Conditions:
Hereditary cancer-predisposing syndrome. Also called: Tumor predisposition; Hereditary neoplastic syndrome; Hereditary Cancer Syndrome; Neoplastic Syndromes, Hereditary. Identifiers: Orphanet 140162, MedGen C0027672, MeSH D009386, MONDO:0015356.
Familial cancer of breast. Also called: BREAST CANCER, FAMILIAL; Hereditary breast cancer; hereditary breast carcinoma. Identifiers: Orphanet 227535, MedGen C0346153, MONDO:0016419, OMIM 114480. Disease mechanism: loss of function.

Submissions (2):

Ambry Genetics
Classification: Likely benign for Hereditary cancer-predisposing syndrome. Last evaluated: 2024-02-26. Review status: criteria provided, single submitter. Criteria: Ambry Variant Classification Scheme 2023. Collection method: clinical testing. Allele origin: germline.

Labcorp Genetics (formerly Invitae), Labcorp
Classification: Uncertain significance for Familial cancer of breast. Last evaluated: 2019-11-16. Review status: criteria provided, single submitter. Criteria: Invitae Variant Classification Sherloc (09022015). Collection method: clinical testing. Allele origin: germline.
Comment: In summary, the available evidence is currently insufficient to determine the role of this variant in disease. Therefore, it has been classified as a Variant of Uncertain Significance. Algorithms developed to predict the effect of missense changes on protein structure and function are either unavailable or do not agree on the potential impact of this missense change (SIFT: "Deleterious"; PolyPhen-2: "Possibly Damaging"; Align-GVGD: "Class C15"). This variant has not been reported in the literature in individuals with BARD1-related conditions. This variant is not present in population databases (ExAC no frequency). This sequence change replaces glycine with valine at codon 698 of the BARD1 protein (p.Gly698Val). The glycine residue is moderately conserved and there is a moderate physicochemical difference between glycine and valine.

NM_000465.4(BARD1):c.2093G>T (p.Gly698Val)

Gene: BARD1 (BRCA1 associated RING domain 1; minus strand). Cytogenetic location: 2q35.
Variant type: single nucleotide variant.
Coding change: c.2093G>T on transcript NM_000465.4 (MANE Select); coding-DNA position 2093, G replaced by T.
Protein change: p.Gly698Val; replaces glycine 698 with valine.
Molecular consequence: missense variant. On other transcripts: non-coding transcript variant (3).
Genome position (GRCh38, 1-based): chr2:214,728,917, C>A on the plus strand (G>T on the coding strand, the complement: BARD1 is on the minus strand). VCF-style: chr2-214728917-C-A. GRCh37 (hg19) VCF-style: chr2-215593641-C-A.
Other names: c.2036G>T, p.Gly679Val (NM_001282543.2); c.740G>T, p.Gly247Val (NM_001282545.2); c.683G>T, p.Gly228Val (NM_001282548.2); c.554G>T, p.Gly185Val (NM_001282549.2); short protein forms G679V, G228V, G247V, G185V, G698V.
Identifiers: ClinVar variation 962573 (VCV000962573.13), dbSNP rs1553612188, ClinGen allele CA350450632.